The following is an entry in ClinVar:

NM_000393.5(COL5A2):c.3586A>G (p.Ile1196Val)

Gene: COL5A2 (collagen type V alpha 2 chain; minus strand). Cytogenetic location: 2q32.2.
Variant type: single nucleotide variant.
Coding change: c.3586A>G on transcript NM_000393.5 (MANE Select); coding-DNA position 3586, A replaced by G.
Protein change: p.Ile1196Val; replaces isoleucine 1196 with valine.
Molecular consequence: missense variant.
Genome position (GRCh38, 1-based): chr2:189,041,633, T>C on the plus strand (A>G on the coding strand, the complement: COL5A2 is on the minus strand). VCF-style: chr2-189041633-T-C. GRCh37 (hg19) VCF-style: chr2-189906359-T-C.
Other names: c.3586A>G (NM_000393.3); short protein forms I1196V.
Identifiers: ClinVar variation 1363496 (VCV001363496.10), dbSNP rs1271802995, ClinGen allele CA349859781.
Genomic context (GRCh38, chr2:189,041,633, plus strand): 5'-TTTGTGACTTTACCTCAGGTCCTGCTTCTCCTACACTGCCTCGTACACCTGGAGGTCCAA[T>C]TGGCCCAAGTGGCCCAGGGTTTCCTTCTTTACCTGAAGGACCAACTGGGCCTGGAGGACC-3'
Protein context (NP_000384.2, residues 1186-1206): KEGNPGPLGP[Ile1196Val]GPPGVRGSVG

ClinVar aggregate classification (germline): Uncertain significance. Review status: criteria provided, multiple submitters, no conflicts (2 of 4 stars). 3 submissions from 3 submitters: Uncertain significance (3). Last evaluated 2026-03-12.

Conditions:
Ehlers-Danlos syndrome, classic type, 1 (EDSCL1). Also called: EHLERS-DANLOS SYNDROME, GRAVIS TYPE; EHLERS-DANLOS SYNDROME, SEVERE CLASSIC TYPE; Ehlers-Danlos syndrome, type 1; EDS I; Ehlers-Danlos Syndrome, Classic Type, COL5A1-Related. Identifiers: MedGen C0268335, MONDO:0019567, OMIM 130000.
Familial thoracic aortic aneurysm and aortic dissection (TAAD). Also called: Thoracic aortic aneurysms and dissections. Identifiers: Orphanet 91387, MedGen C4707243, MONDO:0019625.

Allele frequency attached by ClinVar (database versions not stated): gnomAD 0.00001; TOPMed below 0.00001.
gnomAD v4.1: 1 of 1,614,040 alleles (0.000062%); highest among the groups gnomAD compares: Non-Finnish European, 0.000085%; no homozygotes.

Submissions (3):

Ambry Genetics
Classification: Uncertain significance for Familial thoracic aortic aneurysm and aortic dissection. Last evaluated: 2026-03-12. Review status: criteria provided, single submitter. Criteria: Ambry Variant Classification Scheme 2023. Collection method: clinical testing. Allele origin: germline.

GeneDx
Classification: Uncertain significance. Last evaluated: 2023-06-29. Review status: criteria provided, single submitter. Criteria: GeneDx Variant Classification Process June 2021. Collection method: clinical testing. Allele origin: germline. Affected: yes.
Comment: Has not been previously published as pathogenic or benign to our knowledge; Not observed at significant frequency in large population cohorts (gnomAD); In silico analysis supports that this missense variant does not alter protein structure/function

Labcorp Genetics (formerly Invitae), Labcorp
Classification: Uncertain significance for Ehlers-Danlos syndrome, classic type, 1. Last evaluated: 2023-04-16. Review status: criteria provided, single submitter. Criteria: Invitae Variant Classification Sherloc (09022015). Collection method: clinical testing. Allele origin: germline.
Comment: In summary, the available evidence is currently insufficient to determine the role of this variant in disease. Therefore, it has been classified as a Variant of Uncertain Significance. Advanced modeling of protein sequence and biophysical properties (such as structural, functional, and spatial information, amino acid conservation, physicochemical variation, residue mobility, and thermodynamic stability) performed at Invitae indicates that this missense variant is not expected to disrupt COL5A2 protein function. ClinVar contains an entry for this variant (Variation ID: 1363496). This variant has not been reported in the literature in individuals affected with COL5A2-related conditions. This variant is not present in population databases (gnomAD no frequency). This sequence change replaces isoleucine, which is neutral and non-polar, with valine, which is neutral and non-polar, at codon 1196 of the COL5A2 protein (p.Ile1196Val).